The following is an entry in ClinVar:

ClinVar aggregate classification (germline): Uncertain significance (1 of 4 stars; one submission).

Conditions:
Cardiovascular phenotype. Identifiers: MedGen CN230736.

Submission:

Ambry Genetics
Classification: Uncertain significance for Cardiovascular phenotype. Last evaluated: 2026-06-02. Review status: criteria provided, single submitter. Criteria: Ambry Variant Classification Scheme 2023. Collection method: clinical testing. Allele origin: germline.
Comment: The p.K257E variant (also known as c.769A>G), located in coding exon 10 of the TAZ gene, results from an A to G substitution at nucleotide position 769. The lysine at codon 257 is replaced by glutamic acid, an amino acid with similar properties. This amino acid position is well conserved in available vertebrate species. In addition, the in silico prediction for this alteration is inconclusive. Based on the available evidence, the clinical significance of this variant remains unclear.

NM_000116.5(TAFAZZIN):c.769A>G (p.Lys257Glu)

Gene: TAFAZZIN (tafazzin, phospholipid-lysophospholipid transacylase; plus strand). Cytogenetic location: Xq28.
Variant type: single nucleotide variant.
Coding change: c.769A>G on transcript NM_000116.5 (MANE Select); coding-DNA position 769, A replaced by G.
Protein change: p.Lys257Glu; replaces lysine 257 with glutamic acid.
Molecular consequence: missense variant. On other transcripts: non-coding transcript variant (1).
Genome position (GRCh38, 1-based): chrX:154,420,727, A>G. VCF-style: chrX-154420727-A-G. GRCh37 (hg19) VCF-style: chrX-153649066-A-G.
Other names: c.781A>G, p.Lys261Glu (NM_001303465.2); c.733A>G, p.Lys245Glu (NM_001410698.1); c.823A>G, p.Lys275Glu (NM_001440856.1); c.691A>G, p.Lys231Glu (NM_001440857.1); c.556A>G, p.Lys186Glu (NM_001440858.1); c.679A>G, p.Lys227Glu (NM_181311.4); c.727A>G, p.Lys243Glu (NM_181312.4); c.637A>G, p.Lys213Glu (NM_181313.4); short protein forms K186E, K213E, K227E, K231E, K243E, K245E, K257E, K261E.
Identifiers: ClinVar variation 4865298 (VCV004865298.1).